The following is an entry in ClinVar:

NM_030662.4(MAP2K2):c.577C>T (p.Arg193Ter)

Gene: MAP2K2 (mitogen-activated protein kinase kinase 2; minus strand). Cytogenetic location: 19p13.3.
Variant type: single nucleotide variant.
Coding change: c.577C>T on transcript NM_030662.4 (MANE Select); coding-DNA position 577, C replaced by T.
Protein change: p.Arg193Ter; replaces arginine 193 with a stop codon.
Molecular consequence: nonsense.
Genome position (GRCh38, 1-based): chr19:4,101,232, G>A on the plus strand (C>T on the coding strand, the complement: MAP2K2 is on the minus strand). VCF-style: chr19-4101232-G-A. GRCh37 (hg19) VCF-style: chr19-4101230-G-A.
Other names: short protein forms R193*.
Identifiers: ClinVar variation 955822 (VCV000955822.9), dbSNP rs2041005560, ClinGen allele CA403388893.

ClinVar aggregate classification (germline): Uncertain significance. Review status: criteria provided, multiple submitters, no conflicts (2 of 4 stars). 2 submissions from 2 submitters: Uncertain significance (2). Last evaluated 2023-12-02.

Conditions:
Cardiovascular phenotype. Identifiers: MedGen CN230736.
RASopathy. Also called: Noonan spectrum disorder; rasopathies. Identifiers: Orphanet 536391, MedGen C5555857, MONDO:0021060.

Allele frequency attached by ClinVar (database versions not stated): TOPMed below 0.00001; gnomAD exomes 0.00001.

Submissions (2):

Labcorp Genetics (formerly Invitae), Labcorp
Classification: Uncertain significance for RASopathy. Last evaluated: 2023-12-02. Review status: criteria provided, single submitter. Criteria: Invitae Variant Classification Sherloc (09022015). Collection method: clinical testing. Allele origin: germline.
Comment: This sequence change creates a premature translational stop signal (p.Arg193*) in the MAP2K2 gene. It is expected to result in an absent or disrupted protein product. However, the current clinical and genetic evidence is not sufficient to establish whether loss-of-function variants in MAP2K2 cause disease. This variant is not present in population databases (gnomAD no frequency). This variant has not been reported in the literature in individuals affected with MAP2K2-related conditions. ClinVar contains an entry for this variant (Variation ID: 955822). In summary, the available evidence is currently insufficient to determine the role of this variant in disease. Therefore, it has been classified as a Variant of Uncertain Significance.

Ambry Genetics
Classification: Uncertain significance for Cardiovascular phenotype. Last evaluated: 2021-04-16. Review status: criteria provided, single submitter. Criteria: Ambry Variant Classification Scheme 2023. Collection method: clinical testing. Allele origin: germline.
Comment: The p.R193* variant (also known as c.577C>T), located in coding exon 5 of the MAP2K2 gene, results from a C to T substitution at nucleotide position 577. This changes the amino acid from an arginine to a stop codon within coding exon 5. This alteration is expected to result in premature protein truncation or nonsense-mediated mRNA decay. However, loss of function of MAP2K2 has not been clearly established as a mechanism of disease. Since supporting evidence is limited at this time, the clinical significance of this alteration remains unclear.